The following is an entry in ClinVar:

ClinVar aggregate classification (germline): Benign (1 of 4 stars; one submission).

Conditions:
Asphyxiating thoracic dystrophy 2 (SRTD2). Also called: SHORT-RIB THORACIC DYSPLASIA 2 WITH OR WITHOUT POLYDACTYLY; SHORT-RIB THORACIC DYSPLASIA 2 WITH POLYDACTYLY; SHORT-RIB THORACIC DYSPLASIA 2 WITHOUT POLYDACTYLY. Identifiers: Orphanet 474, MedGen C1970005, MONDO:0012644, OMIM 611263.

Allele frequency attached by ClinVar (database versions not stated): gnomAD 0.00376 and 0.00405; TOPMed 0.00433; 1000 Genomes Project 30x 0.00671; 1000 Genomes Project 0.00719.

Submission:

Illumina Laboratory Services, Illumina
Classification: Benign for Asphyxiating thoracic dystrophy 2. Last evaluated: 2018-01-13. Review status: criteria provided, single submitter. Criteria: ICSL Variant Classification Criteria 13 December 2019. Collection method: clinical testing. Allele origin: germline.
Comment: This variant was observed in the ICSL laboratory as part of a predisposition screen in an ostensibly healthy population. It had not been previously curated by ICSL or reported in the Human Gene Mutation Database (HGMD: prior to June 1st, 2018), and was therefore a candidate for classification through an automated scoring system. Utilizing variant allele frequency, disease prevalence and penetrance estimates, and inheritance mode, an automated score was calculated to assess if this variant is too frequent to cause the disease. Based on the score and internal cut-off values, a variant classified as benign is not then subjected to further curation. The score for this variant resulted in a classification of benign for this disease.

NM_020800.3(IFT80):c.*1204G>A

Genes: IFT80 (intraflagellar transport 80; minus strand), TRIM59-IFT80 (TRIM59-IFT80 readthrough (NMD candidate); minus strand). Cytogenetic location: 3q25.33.
Variant type: single nucleotide variant.
Coding change: c.*1204G>A on transcript NM_020800.3 (MANE Select); 1204 bases downstream of the stop codon, G replaced by A.
Molecular consequence: 3 prime UTR variant. On other transcripts: non-coding transcript variant (2).
Genome position (GRCh38, 1-based): chr3:160,257,321, C>T on the plus strand (G>A on the coding strand, the complement: IFT80 is on the minus strand). VCF-style: chr3-160257321-C-T. GRCh37 (hg19) VCF-style: chr3-159975109-C-T.
Other names: c.*1204G>A (NM_001190241.2, NM_001190242.2).
Identifiers: ClinVar variation 901996 (VCV000901996.4), dbSNP rs144132950, ClinGen allele CA87069651.
Genomic context (GRCh38, chr3:160,257,321, plus strand): 5'-GGTTAAGAGAGGTAATCTCTCTATCCCTTTGTGTGTGTGTGTATATATATATATATCATA[C>T]ATAATCCCATATCTATGCATCTATACCCACCCTATAATGTACCATTTTCAGAAATGGGTT-3'